The following is an entry in ClinVar:

ClinVar aggregate classification (germline): Uncertain significance (1 of 4 stars; one submission).

gnomAD v4.1: 2 of 1,614,158 alleles (0.00012%); highest among the groups gnomAD compares: Non-Finnish European, 0.00017%; no homozygotes.

Submission:

GeneDx
Classification: Uncertain significance. Last evaluated: 2024-12-03. Review status: criteria provided, single submitter. Criteria: GeneDx Variant Classification Process June 2021. Collection method: clinical testing. Allele origin: germline. Affected: yes.
Comment: Not observed at significant frequency in large population cohorts (gnomAD); In silico analysis supports that this missense variant has a deleterious effect on protein structure/function; Has not been previously published as pathogenic or benign to our knowledge

NM_020745.4(AARS2):c.601C>T (p.Leu201Phe)

Gene: AARS2 (alanyl-tRNA synthetase 2, mitochondrial; minus strand). Cytogenetic location: 6p21.1.
Variant type: single nucleotide variant.
Coding change: c.601C>T on transcript NM_020745.4 (MANE Select); coding-DNA position 601, C replaced by T.
Protein change: p.Leu201Phe; replaces leucine 201 with phenylalanine.
Molecular consequence: missense variant.
Genome position (GRCh38, 1-based): chr6:44,311,142, G>A on the plus strand (C>T on the coding strand, the complement: AARS2 is on the minus strand). VCF-style: chr6-44311142-G-A. GRCh37 (hg19) VCF-style: chr6-44278879-G-A.
Other names: short protein forms L201F.
Identifiers: ClinVar variation 3901659 (VCV003901659.1).
Genomic context (GRCh38, chr6:44,311,142, plus strand): 5'-AGGGCCCACAAGGGCCAGTATCCCCCATCTCCCAGAAGTTCTCTTGTGGTCCAAAGGAAA[G>A]CACACGGCTAGCAGGCACCCTGGGGAGAAAAGCAGGTGAGTGGTGGGAGACAGACAGACC-3'
Protein context (NP_065796.2, residues 191-211): LSLGVPASRV[Leu201Phe]SFGPQENFWE